The following is an entry in ClinVar:

ClinVar aggregate classification (germline): Pathogenic (1 of 4 stars; one submission).

Conditions:
Biotin-responsive basal ganglia disease (BTBGD). Also called: Thiamine metabolism dysfunction syndrome type 2; Thiamine metabolism dysfunction syndrome 2 (biotin- or thiamine-responsive encephalopathy type 2); THIAMINE METABOLISM DYSFUNCTION SYNDROME 2 (BIOTIN- AND THIAMINE-RESPONSIVE TYPE); Thiamine Transporter-2 Deficiency; thiamine-responsive encephalopathy. Identifiers: Orphanet 199348, Orphanet 65284, MedGen C1843807, MONDO:0011841, OMIM 607483.

Submission:

Myriad Genetics, Inc.
Classification: Pathogenic for Biotin-responsive basal ganglia disease. Last evaluated: 2026-02-24. Review status: criteria provided, single submitter. Criteria: Myriad Autosomal Dominant, Autosomal Recessive and X-Linked Classification Criteria (2023). Collection method: clinical testing. Allele origin: unknown.
Comment: NM_025243.3(SLC19A3):c.382_383delTA(Y128Qfs*96) is a frameshift variant classified as pathogenic in the context of biotin-thiamine-responsive basal ganglia disease. Y128Qfs*96 has not been observed in cases with relevant disease. Relevant functional assessments of this variant are not available in the literature. Y128Qfs*96 has not been observed in referenced population frequency databases. In summary, NM_025243.3(SLC19A3):c.382_383delTA(Y128Qfs*96) is a frameshift variant in a gene where loss of function is a known mechanism of disease and is predicted to disrupt protein function. Please note: this variant was assessed in the context of healthy population screening.

NM_025243.4(SLC19A3):c.382_383del (p.Tyr128fs)

Gene: SLC19A3 (solute carrier family 19 member 3; minus strand). Cytogenetic location: 2q36.3.
Variant type: Microsatellite.
Coding change: c.382_383del on transcript NM_025243.4 (MANE Select); coding-DNA positions 382 to 383, 2 bases deleted (TA; older notation c.382_383delTA).
Protein change: p.Tyr128fs; shifts the reading frame from tyrosine 128.
Molecular consequence: frameshift variant.
Genome position (GRCh38, 1-based): chr2:227,699,332-227,699,333, TA deleted on the plus strand (TA on the coding strand, the reverse complement: SLC19A3 is on the minus strand); deleting any 2 consecutive bases within chr2:227,699,332-227,699,336 gives the same sequence; the c. name uses the placement nearest the transcript's 3' end. VCF-style (leftmost placement, unchanged base first): chr2-227699331-GTA-G. GRCh37 (hg19) VCF-style: chr2-228564047-GTA-G.
Other names: c.382_383del, p.Tyr128fs (NM_001371411.1, NM_001371412.1); c.370_371del, p.Tyr124fs (NM_001371413.1, NM_001371414.1); short protein forms Y128fs, Y124fs.
Identifiers: ClinVar variation 5003987 (VCV005003987.1).